The following is an entry in ClinVar:

NM_014264.5(PLK4):c.1358+5G>T

Gene: PLK4 (polo like kinase 4; plus strand). Cytogenetic location: 4q28.1.
Variant type: single nucleotide variant.
Coding change: c.1358+5G>T on transcript NM_014264.5 (MANE Select); 5 bases into the intron after coding-DNA position 1358, G replaced by T.
Molecular consequence: intron variant.
Genome position (GRCh38, 1-based): chr4:127,886,733, G>T. VCF-style: chr4-127886733-G-T. GRCh37 (hg19) VCF-style: chr4-128807888-G-T.
Other names: c.1262+5G>T (NM_001190799.2); c.1235+5G>T (NM_001190801.2).
Identifiers: ClinVar variation 959885 (VCV000959885.1), dbSNP rs772109280, ClinGen allele CA1139658646.
Genomic context (GRCh38, chr4:127,886,733, plus strand): 5'-GAAAAGACATCCAGTAGTTCTGGATCTTTTGAAAGACCTGATAACAATCAAGCACTGTAA[G>T]AATAATTCTATCAGAGGCATTTTGTTTTTTGGTAACATTATACTAGTATAAATATGAAGC-3'

ClinVar aggregate classification (germline): Uncertain significance (1 of 4 stars; one submission).

Submission:

Labcorp Genetics (formerly Invitae), Labcorp
Classification: Uncertain significance. Last evaluated: 2019-11-04. Review status: criteria provided, single submitter. Criteria: Invitae Variant Classification Sherloc (09022015). Collection method: clinical testing. Allele origin: germline.
Comment: This sequence change falls in intron 5 of the PLK4 gene. It does not directly change the encoded amino acid sequence of the PLK4 protein, but it affects a nucleotide within the consensus splice site of the intron. This variant is not present in population databases (ExAC no frequency). This variant has not been reported in the literature in individuals with PLK4-related conditions. Nucleotide substitutions within the consensus splice site are a relatively common cause of aberrant splicing (PMID: 17576681, 9536098). Algorithms developed to predict the effect of sequence changes on RNA splicing suggest that this variant may disrupt the consensus splice site, but this prediction has not been confirmed by published transcriptional studies. In summary, the available evidence is currently insufficient to determine the role of this variant in disease. Therefore, it has been classified as a Variant of Uncertain Significance.